The following is an entry in ClinVar:

NM_001282531.3(ADNP):c.2554A>G (p.Lys852Glu)

Gene: ADNP (activity dependent neuroprotector homeobox; minus strand). Cytogenetic location: 20q13.13.
Variant type: single nucleotide variant.
Coding change: c.2554A>G on transcript NM_001282531.3 (MANE Select); coding-DNA position 2554, A replaced by G.
Protein change: p.Lys852Glu; replaces lysine 852 with glutamic acid.
Molecular consequence: missense variant.
Genome position (GRCh38, 1-based): chr20:50,892,160, T>C on the plus strand (A>G on the coding strand, the complement: ADNP is on the minus strand). VCF-style: chr20-50892160-T-C. GRCh37 (hg19) VCF-style: chr20-49508697-T-C.
Other names: c.2554A>G, p.Lys852Glu (NM_001282532.2, NM_001347511.2, NM_015339.5 and 1 more transcripts); short protein forms K852E.
Identifiers: ClinVar variation 711607 (VCV000711607.32), dbSNP rs776007948, ClinGen allele CA9908574.

ClinVar aggregate classification (germline): Benign/Likely benign. Review status: criteria provided, multiple submitters, no conflicts (2 of 4 stars). 4 submissions from 4 submitters: Benign (1); Likely benign (3). Last evaluated 2025-04-21.

Conditions:
Inborn genetic diseases. Identifiers: MedGen C0950123, MeSH D030342.

Allele frequency attached by ClinVar (database versions not stated): gnomAD exomes 0.00001 and 0.00002; ExAC 0.00002; gnomAD 0.00003 and 0.00024; TOPMed 0.00022.
gnomAD v4.1: 57 of 1,614,016 alleles (0.0035%); highest among the groups gnomAD compares: Middle Eastern, 0.033%; 1 homozygote.

Submissions (4):

Labcorp Genetics (formerly Invitae), Labcorp
Classification: Benign. Last evaluated: 2025-04-21. Review status: criteria provided, single submitter. Criteria: Invitae Variant Classification Sherloc (09022015). Collection method: clinical testing. Allele origin: germline.

CeGaT Center for Human Genetics Tuebingen
Classification: Likely benign. Last evaluated: 2023-12-01. Review status: criteria provided, single submitter. Criteria: CeGaT Center For Human Genetics Tuebingen Variant Classification Criteria Version 2. Collection method: clinical testing. Allele origin: germline. Affected: yes. Observed: 1 variant allele.
Comment: ADNP: BP4

Ambry Genetics
Classification: Likely benign for Inborn genetic diseases. Last evaluated: 2022-12-15. Review status: criteria provided, single submitter. Criteria: Ambry Variant Classification Scheme 2023. Collection method: clinical testing. Allele origin: germline.

Blueprint Genetics
Classification: Likely benign. Last evaluated: 2022-06-10. Review status: criteria provided, single submitter. Criteria: ACMG Guidelines, 2015. Collection method: clinical testing. Allele origin: germline.